The following is an entry in ClinVar:

ClinVar aggregate classification (germline): Conflicting classifications of pathogenicity. Review status: criteria provided, conflicting classifications (1 of 4 stars). 8 submissions from 8 submitters: Uncertain significance (1); Benign (3); Likely benign (3). 1 of the submissions does not count toward it. Last evaluated 2025-10-29.

Conditions:
GJB3-related disorder. Also called: GJB3-related condition.
Inborn genetic diseases. Identifiers: MedGen C0950123, MeSH D030342.

Allele frequency attached by ClinVar (database versions not stated): gnomAD exomes 0.00017 and 0.00056; ExAC 0.00066; 1000 Genomes Project 0.00200; gnomAD 0.00214 and 0.00233; ESP Exome Variant Server 0.00215; 1000 Genomes Project 30x 0.00219; TOPMed 0.00269.

Submissions (8):

Ambry Genetics
Classification: Uncertain significance for Inborn genetic diseases. Last evaluated: 2025-10-29. Review status: criteria provided, single submitter. Criteria: Ambry Variant Classification Scheme 2023. Collection method: clinical testing. Allele origin: germline.

Labcorp Genetics (formerly Invitae), Labcorp
Classification: Benign. Last evaluated: 2025-05-13. Review status: criteria provided, single submitter. Criteria: Invitae Variant Classification Sherloc (09022015). Collection method: clinical testing. Allele origin: germline.

Blueprint Genetics
Classification: Likely benign. Last evaluated: 2024-10-16. Review status: criteria provided, single submitter. Criteria: ACMG Guidelines, 2015. Collection method: clinical testing. Allele origin: germline.

GeneDx
Classification: Benign. Last evaluated: 2020-08-31. Review status: criteria provided, single submitter. Criteria: GeneDx Variant Classification Process June 2021. Collection method: clinical testing. Allele origin: germline. Affected: yes.

Eurofins Ntd Llc (ga)
Classification: Likely benign. Last evaluated: 2016-06-07. Review status: criteria provided, single submitter. Criteria: EGL Classification Definitions 2015. Collection method: clinical testing. Allele origin: germline. Observed: 2 variant alleles, 2 heterozygotes.

Laboratory for Molecular Medicine, Mass General Brigham Personalized Medicine
Classification: Benign. Last evaluated: 2012-04-30. Review status: criteria provided, single submitter. Criteria: LMM Criteria. Collection method: clinical testing. Allele origin: germline. Observed: 1 variant allele.
Comment: His105Asn in Exon 02 of GJB3: This variant is not expected to have clinical sign ificance because it has been identified in 0.6% (24/3738) of African American ch romosomes from a broad population by the NHLBI Exome Sequencing Project (dbSNP rs150245955).

Breakthrough Genomics
Classification: Likely benign. Review status: criteria provided, single submitter. Criteria: ACMG Guidelines, 2015. Collection method: not provided. Allele origin: germline. Inheritance: Autosomal dominant inheritance. Affected: yes.

PreventionGenetics, part of Exact Sciences
Classification: Benign for GJB3-related condition. Last evaluated: 2020-01-02. Review status: no assertion criteria provided. Collection method: clinical testing. Allele origin: germline. Not counted in ClinVar's aggregate classification.
Comment: This variant is classified as benign based on ACMG/AMP sequence variant interpretation guidelines (Richards et al. 2015 PMID: 25741868, with internal and published modifications).

NM_024009.3(GJB3):c.313C>A (p.His105Asn)

Gene: GJB3 (gap junction protein beta 3; plus strand). Cytogenetic location: 1p34.3.
Variant type: single nucleotide variant.
Coding change: c.313C>A on transcript NM_024009.3 (MANE Select); coding-DNA position 313, C replaced by A.
Protein change: p.His105Asn; replaces histidine 105 with asparagine.
Molecular consequence: missense variant.
Genome position (GRCh38, 1-based): chr1:34,785,075, C>A. VCF-style: chr1-34785075-C-A. GRCh37 (hg19) VCF-style: chr1-35250676-C-A.
Other names: c.313C>A, p.His105Asn (NM_001005752.2); short protein forms H105N.
Identifiers: ClinVar variation 163529 (VCV000163529.23), dbSNP rs150245955, ClinGen allele CA176165.